The following is an entry in ClinVar:

ClinVar aggregate classification (germline): Uncertain significance (1 of 4 stars; one submission).

Submission:

Labcorp Genetics (formerly Invitae), Labcorp
Classification: Uncertain significance. Last evaluated: 2021-10-22. Review status: criteria provided, single submitter. Criteria: Invitae Variant Classification Sherloc (09022015). Collection method: clinical testing. Allele origin: germline.
Comment: Algorithms developed to predict the effect of missense changes on protein structure and function are either unavailable or do not agree on the potential impact of this missense change (SIFT: "Not Available"; PolyPhen-2: "Probably Damaging"; Align-GVGD: "Not Available"). In summary, the available evidence is currently insufficient to determine the role of this variant in disease. Therefore, it has been classified as a Variant of Uncertain Significance. This variant has not been reported in the literature in individuals affected with TRAPPC9-related conditions. This variant is not present in population databases (ExAC no frequency). This sequence change replaces glycine with valine at codon 753 of the TRAPPC9 protein (p.Gly753Val). The glycine residue is highly conserved and there is a moderate physicochemical difference between glycine and valine.

NM_001160372.4(TRAPPC9):c.1964G>T (p.Gly655Val)

Gene: TRAPPC9 (trafficking protein particle complex subunit 9; minus strand). Cytogenetic location: 8q24.3.
Variant type: single nucleotide variant.
Coding change: c.1964G>T on transcript NM_001160372.4 (MANE Select); coding-DNA position 1964, G replaced by T.
Protein change: p.Gly655Val; replaces glycine 655 with valine.
Molecular consequence: missense variant. On other transcripts: non-coding transcript variant (1).
Genome position (GRCh38, 1-based): chr8:140,287,625, C>A on the plus strand (G>T on the coding strand, the complement: TRAPPC9 is on the minus strand). VCF-style: chr8-140287625-C-A. GRCh37 (hg19) VCF-style: chr8-141297724-C-A.
Other names: c.1937G>T, p.Gly646Val (NM_001321646.2); c.1985G>T, p.Gly662Val (NM_001374682.1); c.1964G>T, p.Gly655Val (NM_001374683.1, NM_031466.8); c.1820G>T, p.Gly607Val (NM_001374684.1); short protein forms G655V, G607V, G646V, G662V.
Identifiers: ClinVar variation 1483634 (VCV001483634.6), dbSNP rs2131737855, ClinGen allele CA372315315.